The following is an entry in ClinVar:

NM_001204.7(BMPR2):c.2362G>A (p.Val788Ile)

Gene: BMPR2 (bone morphogenetic protein receptor type 2; plus strand). Cytogenetic location: 2q33.2.
Variant type: single nucleotide variant.
Coding change: c.2362G>A on transcript NM_001204.7 (MANE Select); coding-DNA position 2362, G replaced by A.
Protein change: p.Val788Ile; replaces valine 788 with isoleucine.
Molecular consequence: missense variant.
Genome position (GRCh38, 1-based): chr2:202,556,027, G>A. VCF-style: chr2-202556027-G-A. GRCh37 (hg19) VCF-style: chr2-203420750-G-A.
Other names: short protein forms V788I.
Identifiers: ClinVar variation 2575218 (VCV002575218.6), dbSNP rs146310981, ClinGen allele CA2061524.

ClinVar aggregate classification (germline): Conflicting classifications of pathogenicity. Review status: criteria provided, conflicting classifications (1 of 4 stars). 3 submissions from 3 submitters: Uncertain significance (2); Benign (1). Last evaluated 2024-05-20.

Conditions:
Primary pulmonary hypertension. Also called: Idiopathic pulmonary hypertension. Identifiers: MedGen C0152171.
Pulmonary hypertension, primary, 1 (PPH1). Also called: Pulmonary hypertension, familial primary, 1, with or without HHT. Identifiers: Orphanet 422, MedGen C4552070, MONDO:0024533, OMIM 178600.
Pulmonary venoocclusive disease 1 (PVOD1). Also called: Pulmonary venoocclusive disease 1, autosomal dominant. Identifiers: Orphanet 31837, MedGen C3887658, MONDO:0020713, OMIM 265450.

Allele frequency attached by ClinVar (database versions not stated): gnomAD exomes 0.00002; ExAC 0.00004; TOPMed 0.00004; gnomAD 0.00006; ESP Exome Variant Server 0.00015; 1000 Genomes Project 30x 0.00016; 1000 Genomes Project 0.00020.
gnomAD v4.1: 45 of 1,614,214 alleles (0.0028%); highest among the groups gnomAD compares: African/African-American, 0.0093%; no homozygotes.

Submissions (3):

Fulgent Genetics
Classification: Uncertain significance for Pulmonary hypertension, primary, 1; Pulmonary venoocclusive disease 1. Last evaluated: 2024-05-20. Review status: criteria provided, single submitter. Criteria: ACMG Guidelines, 2015. Collection method: clinical testing. Allele origin: germline.

Labcorp Genetics (formerly Invitae), Labcorp
Classification: Benign for Primary pulmonary hypertension. Last evaluated: 2024-03-29. Review status: criteria provided, single submitter. Criteria: Invitae Variant Classification Sherloc (09022015). Collection method: clinical testing. Allele origin: germline.

Johns Hopkins Genomics, Johns Hopkins University
Classification: Uncertain significance for Pulmonary hypertension, primary, 1. Last evaluated: 2023-07-20. Review status: criteria provided, single submitter. Criteria: ACMG Guidelines, 2015. Collection method: clinical testing. Allele origin: germline.
Comment: This BMPR2 variant (rs146310981) is rare (<0.1%) in a large population dataset (gnomAD: 7/251458 total alleles 0.0028%; no homozygotes) and has not been reported in ClinVar nor the literature, to our knowledge. Of two bioinformatics tools queried, one predicts that the substitution would be damaging, while the other predicts that it would be tolerated. The valine residue at this position is conserved across most of the vertebrate species assessed. Bioinformatic analysis predicts that this missense variant would not affect normal exon 12 splicing, although this has not been confirmed experimentally to our knowledge. Due to insufficient evidence, we consider the clinical significance of c.2362G>A (p.Val788Ile) to be uncertain at this time.

Literature cited by the submitters: PubMed 11115378 (cited by Johns Hopkins Genomics, Johns Hopkins University).